The following is an entry in ClinVar:

NM_020937.4(FANCM):c.186C>G (p.Tyr62Ter)

Gene: FANCM (FA complementation group M; plus strand). Cytogenetic location: 14q21.2.
Variant type: single nucleotide variant.
Coding change: c.186C>G on transcript NM_020937.4 (MANE Select); coding-DNA position 186, C replaced by G.
Protein change: p.Tyr62Ter; replaces tyrosine 62 with a stop codon.
Molecular consequence: nonsense.
Genome position (GRCh38, 1-based): chr14:45,136,217, C>G. VCF-style: chr14-45136217-C-G. GRCh37 (hg19) VCF-style: chr14-45605420-C-G.
Other names: c.186C>G, p.Tyr62Ter (NM_001308133.2, NM_001308134.2); short protein forms Y62*.
Identifiers: ClinVar variation 4697468 (VCV004697468.1).

ClinVar aggregate classification (germline): Pathogenic (1 of 4 stars; one submission).

Conditions:
Fanconi anemia (FA). Also called: Fanconi's anemia. Identifiers: Orphanet 84, MedGen C0015625, MeSH D005199, MONDO:0019391.

Submission:

Labcorp Genetics (formerly Invitae), Labcorp
Classification: Pathogenic for Fanconi anemia. Last evaluated: 2025-07-22. Review status: criteria provided, single submitter. Criteria: Invitae Variant Classification Sherloc (09022015). Collection method: clinical testing. Allele origin: germline.
Comment: This sequence change creates a premature translational stop signal (p.Tyr62*) in the FANCM gene. It is expected to result in an absent or disrupted protein product. Loss-of-function variants in FANCM are known to be pathogenic (PMID: 29895858, 30075111). This variant is not present in population databases (gnomAD no frequency). This variant has not been reported in the literature in individuals affected with FANCM-related conditions. For these reasons, this variant has been classified as Pathogenic.

Literature cited by the submitters: PubMed 29895858; PubMed 30075111.